The following is an entry in ClinVar:

NM_000465.4(BARD1):c.1144A>G (p.Asn382Asp)

Gene: BARD1 (BRCA1 associated RING domain 1; minus strand). Cytogenetic location: 2q35.
Variant type: single nucleotide variant.
Coding change: c.1144A>G on transcript NM_000465.4 (MANE Select); coding-DNA position 1144, A replaced by G.
Protein change: p.Asn382Asp; replaces asparagine 382 with aspartic acid.
Molecular consequence: missense variant. On other transcripts: non-coding transcript variant (2), intron variant (3).
Genome position (GRCh38, 1-based): chr2:214,780,730, T>C on the plus strand (A>G on the coding strand, the complement: BARD1 is on the minus strand). VCF-style: chr2-214780730-T-C. GRCh37 (hg19) VCF-style: chr2-215645454-T-C.
Other names: c.1087A>G, p.Asn363Asp (NM_001282543.2); c.159-28175A>G (NM_001282548.2); c.215+16331A>G (NM_001282545.2); c.364+11567A>G (NM_001282549.2); c.1144A>G (NM_000465.2); short protein forms N382D, N363D.
Identifiers: ClinVar variation 923316 (VCV000923316.12), dbSNP rs1463551188, ClinGen allele CA350453971.

ClinVar aggregate classification (germline): Uncertain significance. Review status: criteria provided, multiple submitters, no conflicts (2 of 4 stars). 4 submissions from 4 submitters: Uncertain significance (4). Last evaluated 2024-03-22.

Conditions:
Hereditary cancer-predisposing syndrome. Also called: Neoplastic Syndromes, Hereditary; Tumor predisposition; Hereditary Cancer Syndrome; Hereditary neoplastic syndrome. Identifiers: Orphanet 140162, MedGen C0027672, MeSH D009386, MONDO:0015356.
Familial cancer of breast. Also called: BREAST CANCER, FAMILIAL; hereditary breast carcinoma; Hereditary breast cancer. Identifiers: Orphanet 227535, MedGen C0346153, MONDO:0016419, OMIM 114480. Disease mechanism: loss of function.

Allele frequency attached by ClinVar (database versions not stated): gnomAD exomes below 0.00001 and 0.00001.
gnomAD v4.1: 9 of 1,614,082 alleles (0.00056%); highest among the groups gnomAD compares: Non-Finnish European, 0.00076%; no homozygotes.

Submissions (4):

Ambry Genetics
Classification: Uncertain significance for Hereditary cancer-predisposing syndrome. Last evaluated: 2024-03-22. Review status: criteria provided, single submitter. Criteria: Ambry Variant Classification Scheme 2023. Collection method: clinical testing. Allele origin: germline.
Comment: The p.N382D variant (also known as c.1144A>G), located in coding exon 4 of the BARD1 gene, results from an A to G substitution at nucleotide position 1144. The asparagine at codon 382 is replaced by aspartic acid, an amino acid with highly similar properties. This amino acid position is conserved. In addition, this alteration is predicted to be tolerated by in silico analysis. Based on the available evidence, the clinical significance of this alteration remains unclear.

Color Diagnostics, LLC DBA Color Health
Classification: Uncertain significance for Hereditary cancer-predisposing syndrome. Last evaluated: 2023-12-05. Review status: criteria provided, single submitter. Criteria: ACMG Guidelines, 2015. Collection method: clinical testing. Allele origin: germline.
Comment: This missense variant replaces asparagine with aspartic acid at codon 382 of the BARD1 protein. Computational prediction tools and conservation analyses suggest that this variant may not impact the protein function. Computational splicing tools suggest that this variant may not impact RNA splicing. To our knowledge, functional assays have not been performed for this variant nor has this variant been reported in individuals affected with hereditary cancer in the literature. This variant has been identified in 1/251292 chromosomes in the general population by the Genome Aggregation Database (gnomAD). Available evidence is insufficient to determine the role of this variant in disease conclusively. Therefore, this variant is classified as a Variant of Uncertain Significance.

GeneDx
Classification: Uncertain significance. Last evaluated: 2023-11-20. Review status: criteria provided, single submitter. Criteria: GeneDx Variant Classification Process June 2021. Collection method: clinical testing. Allele origin: germline. Affected: yes.
Comment: Not observed at significant frequency in large population cohorts (gnomAD); In silico analysis supports that this missense variant does not alter protein structure/function; Has not been previously published as pathogenic or benign to our knowledge

Labcorp Genetics (formerly Invitae), Labcorp
Classification: Uncertain significance for Familial cancer of breast. Last evaluated: 2022-04-09. Review status: criteria provided, single submitter. Criteria: Invitae Variant Classification Sherloc (09022015). Collection method: clinical testing. Allele origin: germline.
Comment: In summary, the available evidence is currently insufficient to determine the role of this variant in disease. Therefore, it has been classified as a Variant of Uncertain Significance. Algorithms developed to predict the effect of missense changes on protein structure and function output the following: SIFT: "Tolerated"; PolyPhen-2: "Benign"; Align-GVGD: "Class C0". The aspartic acid amino acid residue is found in multiple mammalian species, which suggests that this missense change does not adversely affect protein function. ClinVar contains an entry for this variant (Variation ID: 923316). This variant has not been reported in the literature in individuals affected with BARD1-related conditions. This variant is present in population databases (no rsID available, gnomAD 0.0009%). This sequence change replaces asparagine, which is neutral and polar, with aspartic acid, which is acidic and polar, at codon 382 of the BARD1 protein (p.Asn382Asp).